The following is an entry in ClinVar:

ClinVar aggregate classification (germline): Pathogenic/Likely pathogenic. Review status: criteria provided, multiple submitters, no conflicts (2 of 4 stars). 17 submissions from 17 submitters: Pathogenic (4); Likely pathogenic (11). 2 of the submissions do not count toward it. Last evaluated 2026-09-30.

Conditions:
Cardiovascular phenotype. Identifiers: MedGen CN230736.
Dilated cardiomyopathy 1FF (CMD1FF). Identifiers: Orphanet 154, MedGen C2750091, MONDO:0013211, OMIM 613286.
Hypertrophic cardiomyopathy 7. Also called: TNNI3-Related Familial Hypertrophic Cardiomyopathy; Familial hypertrophic cardiomyopathy 7; CARDIOMYOPATHY, FAMILIAL HYPERTROPHIC, 7, MODIFIER OF. Identifiers: MedGen C1860752, MONDO:0013369, OMIM 613690.
Dilated cardiomyopathy 2A (CMD2A). Also called: CARDIOMYOPATHY, CONGESTIVE, AUTOSOMAL RECESSIVE; CARDIOMYOPATHY, DILATED, AUTOSOMAL RECESSIVE. Identifiers: Orphanet 154, MedGen C2678474, MONDO:0012746, OMIM 611880.
Cardiomyopathy, familial restrictive, 1. Identifiers: Orphanet 75249, MedGen C1861861, MONDO:0007270, OMIM 115210.
Cardiomyopathy (CMYO). Also called: Cardiomyopathies. Identifiers: Orphanet 167848, MedGen C0878544, MONDO:0004994, HP:0001638. Inheritance: Various modes of inheritance.
Primary familial hypertrophic cardiomyopathy (HCM). Identifiers: Orphanet 99739, MedGen C0949658, MeSH D024741, MONDO:0024573. Inheritance: Various modes of inheritance.
Hypertrophic cardiomyopathy. Also called: HYPERTROPHIC MYOCARDIOPATHY. Identifiers: Orphanet 217569, MedGen C0007194, MeSH D002312, MONDO:0005045, HP:0001639.

Allele frequency attached by ClinVar (database versions not stated): gnomAD exomes below 0.00001; TOPMed below 0.00001; ExAC 0.00001; gnomAD 0.00001.
gnomAD v4.1: 25 of 1,614,026 alleles (0.0015%); highest among the groups gnomAD compares: South Asian, 0.0033%; no homozygotes.

Submissions 1 to 10 of 17:

GeneDx
Classification: Likely pathogenic. Last evaluated: 2026-09-30. Review status: criteria provided, single submitter. Criteria: GeneDx Variant Classification Process June 2021. Collection method: clinical testing. Allele origin: germline.
Comment: Not observed at significant frequency in large population cohorts (gnomAD); In silico analysis supports that this missense variant has a deleterious effect on protein structure/function; This variant is associated with the following publications: (PMID: 20035081, 26526134, 23299917, 25637381, 12707239, 25524337, 24111713, 26914223, 27532257, 28971120, 21777381, 26440512, 26199943, 31006259, 34135346, 33087929, 34363016, 35535697, 11815426, 35653365, 36264615, 15607392, 34714385, 37652022, 38374194, 38938358)

Women's Health and Genetics/Laboratory Corporation of America, LabCorp
Classification: Pathogenic for Primary familial hypertrophic cardiomyopathy. Last evaluated: 2026-01-12. Review status: criteria provided, single submitter. Criteria: LabCorp Variant Classification Summary - May 2015. Collection method: clinical testing. Allele origin: germline.
Comment: Variant summary: TNNI3 c.586G>A (p.Asp196Asn) results in a conservative amino acid change in the encoded protein sequence. Algorithms developed to predict the effect of missense changes on protein structure and function are either unavailable or do not agree on the potential impact of this missense change. The variant allele was found at a frequency of 4e-06 in 249562 control chromosomes. c.586G>A has been observed in multiple individuals affected with Hypertrophic Cardiomyopathy (examples: Nimura_2002, Morgensen_2004, Stava_2022). These data indicate that the variant is very likely to be associated with disease. The following publications have been ascertained in the context of this evaluation (PMID: 15607392, 11815426, 35653365). ClinVar contains an entry for this variant (Variation ID: 12422). Based on the evidence outlined above, the variant was classified as pathogenic.

Labcorp Genetics (formerly Invitae), Labcorp
Classification: Pathogenic for Hypertrophic cardiomyopathy. Last evaluated: 2025-12-19. Review status: criteria provided, single submitter. Criteria: Invitae Variant Classification Sherloc (09022015). Collection method: clinical testing. Allele origin: germline.
Comment: This sequence change replaces aspartic acid, which is acidic and polar, with asparagine, which is neutral and polar, at codon 196 of the TNNI3 protein (p.Asp196Asn). This variant is present in population databases (rs104894727, gnomAD 0.002%). This missense change has been observed in individuals with autosomal dominant hypertrophic cardiomyopathy (PMID: 11815426, 12707239, 15607392, 24111713, 25524337, 26914223, 27532257). It has also been observed to segregate with disease in related individuals. ClinVar contains an entry for this variant (Variation ID: 12422). An algorithm developed to predict the effect of missense changes on protein structure and function (PolyPhen-2) suggests that this variant is likely to be disruptive. For these reasons, this variant has been classified as Pathogenic.

Ambry Genetics
Classification: Likely pathogenic for Cardiovascular phenotype. Last evaluated: 2025-09-08. Review status: criteria provided, single submitter. Criteria: Ambry Variant Classification Scheme 2023. Collection method: clinical testing. Allele origin: germline.
Comment: The p.D196N variant (also known as c.586G>A), located in coding exon 8 of the TNNI3 gene, results from a G to A substitution at nucleotide position 586. The aspartic acid at codon 196 is replaced by asparagine, an amino acid with highly similar properties. This variant was identified in multiple individuals with hypertrophic cardiomyopathy (HCM) (Niimura H et al. Circulation, 2002 Jan;105:446-51; Richard P et al. Circulation, 2003 May;107:2227-32; Mogensen J et al. J. Am. Coll. Cardiol., 2004 Dec;44:2315-25; Berge KE et al. Clin. Genet., 2014 Oct;86:355-60; Coppini R et al. J. Am. Coll. Cardiol., 2014 Dec;64:2589-2600; Murphy SL et al. J Cardiovasc Transl Res, 2016 Apr;9:153-61; Walsh R et al. Genet. Med., 2017 02;19:192-203). This amino acid position is not well conserved in available vertebrate species. In addition, the in silico prediction for this alteration is inconclusive. Based on the majority of available evidence to date, this variant is likely to be pathogenic.

Color Diagnostics, LLC DBA Color Health
Classification: Likely pathogenic for Cardiomyopathy. Last evaluated: 2025-09-02. Review status: criteria provided, single submitter. Criteria: ACMG Guidelines, 2015. Collection method: clinical testing. Allele origin: germline.
Comment: This missense variant replaces aspartic acid with asparagine at codon 196 of the TNNI3 protein. Computational prediction tools indicate that this variant has a deleterious impact on protein structure and function. This variant is found within a highly conserved region of the C-terminal mobile domain (a.a. 164-210). Missense variants in this region have been shown to be significantly overrepresented in individuals with affected with hypertrophic cardiomyopathy (PMID: 30696458). To our knowledge, functional studies have not been reported for this variant. This variant has been reported in over 10 individuals affected with hypertrophic cardiomyopathy (PMID: 12707239, 15607392, 24111713, 25524337, 26914223, 27532257, 38938358), and in an individual with a family history of hypertrophic cardiomyopathy (PMID: 34363016). In two unrelated families, this variant was identified in 4 of 7 family members affected with hypertrophic cardiomyopathy (PMID: 15607392). This variant has been identified in 2/280974 chromosomes in the general population by the Genome Aggregation Database (gnomAD). Based on the available evidence, this variant is classified as Likely Pathogenic.

Clinical Genetics Laboratory, University Hospital Schleswig-Holstein
Classification: Pathogenic for Hypertrophic cardiomyopathy 7. Last evaluated: 2025-03-17. Review status: criteria provided, single submitter. Criteria: ACMG Guidelines, 2015. Collection method: clinical testing. Allele origin: germline. Affected: yes. Observed: 3 heterozygotes.
Comment: ACMG criteria applied: PS4, PP3, PM1, PP1_Strong

Clinical Genetics Laboratory, Skane University Hospital Lund
Classification: Likely pathogenic for Hypertrophic cardiomyopathy 7. Last evaluated: 2025-02-21. Review status: criteria provided, single submitter. Criteria: ACMG Guidelines, 2015. Collection method: clinical testing. Allele origin: germline. Affected: yes.
Comment: ACMG criteria used: PS4_Moderate, PM1, PM2, PP3.

All of Us Research Program, National Institutes of Health
Classification: Likely pathogenic for Hypertrophic cardiomyopathy. Last evaluated: 2024-08-23. Review status: criteria provided, single submitter. Criteria: ACMG Guidelines, 2015. Collection method: clinical testing. Allele origin: germline. Inheritance: Autosomal dominant inheritance. Observed: 3 variant alleles, 3 heterozygotes.
Comment: This missense variant replaces aspartic acid with asparagine at codon 196 of the TNNI3 protein. Computational prediction tools indicate that this variant has a deleterious impact on protein structure and function. This variant is found within a highly conserved region of the C-terminal mobile domain (aa 164-210). Missense variants in this region have been shown to be significantly overrepresented in individuals with affected with hypertrophic cardiomyopathy (PMID: 30696458). To our knowledge, functional studies have not been reported for this variant. This variant has been reported in over 10 individuals affected with hypertrophic cardiomyopathy (PMID: 12707239, 15607392, 24111713, 25524337, 26914223, 27532257, 38938358), and in an individual with a family history of hypertrophic cardiomyopathy (PMID: 34363016). In two unrelated families, this variant was identified in 4 of 7 family members affected with hypertrophic cardiomyopathy (PMID: 15607392). This variant has been identified in 2/280974 chromosomes in the general population by the Genome Aggregation Database (gnomAD). Based on the available evidence, this variant is classified as Likely Pathogenic.

This study involves interpretation of variants in research participants for the purpose of population health screening. Participant phenotype was not available at the time of variant classification. Additional details can be found in publication PMID: 35346344, PMCID: PMC8962531

CHEO Genetics Diagnostic Laboratory, Children's Hospital of Eastern Ontario
Classification: Likely pathogenic for Cardiomyopathy. Last evaluated: 2022-09-01. Review status: criteria provided, single submitter. Criteria: ACMG Guidelines, 2015. Collection method: clinical testing. Allele origin: germline.

CeGaT Center for Human Genetics Tuebingen
Classification: Likely pathogenic. Last evaluated: 2022-07-01. Review status: criteria provided, single submitter. Criteria: CeGaT Center For Human Genetics Tuebingen Variant Classification Criteria Version 2. Collection method: clinical testing. Allele origin: germline. Affected: yes. Observed: 1 variant allele.
Comment: TNNI3: PM1, PM5, PP1, PS4:Supporting

NM_000363.5(TNNI3):c.586G>A (p.Asp196Asn)

Gene: TNNI3 (troponin I3, cardiac type; minus strand). Cytogenetic location: 19q13.42.
Variant type: single nucleotide variant.
Coding change: c.586G>A on transcript NM_000363.5 (MANE Select); coding-DNA position 586, G replaced by A.
Protein change: p.Asp196Asn; replaces aspartic acid 196 with asparagine.
Molecular consequence: missense variant.
Genome position (GRCh38, 1-based): chr19:55,151,881, C>T on the plus strand (G>A on the coding strand, the complement: TNNI3 is on the minus strand). VCF-style: chr19-55151881-C-T. GRCh37 (hg19) VCF-style: chr19-55663249-C-T.
Other names: p.D196N:GAT>AAT; short protein forms D196N.
Identifiers: ClinVar variation 12422 (VCV000012422.73), dbSNP rs104894727, ClinGen allele CA022006.